The following is an entry in ClinVar:

ClinVar aggregate classification (germline): Uncertain significance (1 of 4 stars; one submission).

Allele frequency attached by ClinVar (database versions not stated): TOPMed below 0.00001.

Submission:

GeneDx
Classification: Uncertain significance. Last evaluated: 2018-12-08. Review status: criteria provided, single submitter. Criteria: GeneDx Variant Classification (06012015). Collection method: clinical testing. Allele origin: germline. Affected: yes.
Comment: The E1190K variant, present in an alternate transcript of the BCOR gene, has not been reported previously as a pathogenic variant, nor as a benign variant, to our knowledge. The E1190K variant is not observed in large population cohorts (Lek et al., 2016; 1000 Genomes Consortium et al., 2015; Exome Variant Server). The E1190K variant is a non-conservative amino acid substitution, which is likely to impact secondary protein structure as these residues differ in polarity, charge, size and/or other properties. This substitution occurs at a position that is conserved across species. In silico analysis is inconsistent in its predictions as to whether or not the variant is damaging to the protein structure/function. We interpret E1190K as a variant of uncertain significance

NM_001123385.2(BCOR):c.3568G>A (p.Glu1190Lys)

Gene: BCOR (BCL6 corepressor; minus strand). Cytogenetic location: Xp11.4.
Variant type: single nucleotide variant.
Coding change: c.3568G>A on transcript NM_001123385.2 (MANE Select); coding-DNA position 3568, G replaced by A.
Protein change: p.Glu1190Lys; replaces glutamic acid 1190 with lysine.
Molecular consequence: missense variant. On other transcripts: intron variant (4).
Genome position (GRCh38, 1-based): chrX:40,063,887, C>T on the plus strand (G>A on the coding strand, the complement: BCOR is on the minus strand). VCF-style: chrX-40063887-C-T. GRCh37 (hg19) VCF-style: chrX-39923140-C-T.
Other names: c.3568G>A, p.Glu1190Lys (NM_001437510.1, NM_001437511.1); c.3514G>A, p.Glu1172Lys (NM_001438207.1); c.3449-37G>A (NM_001123384.2); c.3503-37G>A (NM_001123383.2, NM_001438208.1, NM_017745.6); short protein forms E1190K, E1172K.
Identifiers: ClinVar variation 451825 (VCV000451825.2), dbSNP rs1555915488, ClinGen allele CA412738577.
Genomic context (GRCh38, chrX:40,063,887, plus strand): 5'-GGCGTTGTTTTTTAGGATGGAGCCCTGTTAATTCAATGCACACCTTCAGGTTGGTCAGCT[C>T]ACTATAATGTGGGTCTTCTAAGTGGTTAGAGGAACTGTTTGTCATTTCCCTCTCAGGCCA-3'
Protein context (NP_001116857.1, residues 1180-1200): SNHLEDPHYS[Glu1190Lys]LTNLKVCIEL